The following is an entry in ClinVar:

NM_000726.5(CACNB4):c.*442G>A

Gene: CACNB4 (calcium voltage-gated channel auxiliary subunit beta 4; minus strand). Cytogenetic location: 2q23.3.
Variant type: single nucleotide variant.
Coding change: c.*442G>A on transcript NM_000726.5 (MANE Select); 442 bases downstream of the stop codon, G replaced by A.
Molecular consequence: 3 prime UTR variant.
Genome position (GRCh38, 1-based): chr2:151,838,677, C>T on the plus strand (G>A on the coding strand, the complement: CACNB4 is on the minus strand). VCF-style: chr2-151838677-C-T. GRCh37 (hg19) VCF-style: chr2-152695191-C-T.
Other names: c.*442G>A (NM_001005746.4, NM_001005747.4, NM_001145798.3 and 7 more transcripts).
Identifiers: ClinVar variation 331627 (VCV000331627.7), dbSNP rs7597215, ClinGen allele CA10611434.

ClinVar aggregate classification (germline): Benign. Review status: criteria provided, multiple submitters, no conflicts (2 of 4 stars). 2 submissions from 2 submitters: Benign (2). Last evaluated 2018-01-12.

Conditions:
Episodic ataxia type 5. Identifiers: Orphanet 211067, MedGen C1866039, MONDO:0013464, OMIM 613855.

Allele frequency attached by ClinVar (database versions not stated): gnomAD exomes 0.20149; gnomAD 0.39039 and 0.39502; TOPMed 0.39567; 1000 Genomes Project 0.48423.
gnomAD v4.1: 56,971 of 146,786 alleles (39%); highest among the groups gnomAD compares: African/African-American, 80%; 16,044 homozygotes.

Submissions (2):

Illumina Laboratory Services, Illumina
Classification: Benign for Episodic ataxia type 5. Last evaluated: 2018-01-12. Review status: criteria provided, single submitter. Criteria: ICSL Variant Classification Criteria 13 December 2019. Collection method: clinical testing. Allele origin: germline.
Comment: This variant was observed in the ICSL laboratory as part of a predisposition screen in an ostensibly healthy population. It had not been previously curated by ICSL or reported in the Human Gene Mutation Database (HGMD: prior to June 1st, 2018), and was therefore a candidate for classification through an automated scoring system. Utilizing variant allele frequency, disease prevalence and penetrance estimates, and inheritance mode, an automated score was calculated to assess if this variant is too frequent to cause the disease. Based on the score and internal cut-off values, a variant classified as benign is not then subjected to further curation. The score for this variant resulted in a classification of benign for this disease.

Breakthrough Genomics
Classification: Benign. Review status: criteria provided, single submitter. Criteria: ACMG Guidelines, 2015. Collection method: not provided. Allele origin: germline. Inheritance: Autosomal dominant inheritance. Affected: yes.